The following is an entry in ClinVar:

NM_022765.4(MICAL1):c.305_331del (p.Glu102_Val110del)

Gene: MICAL1 (microtubule associated monooxygenase, calponin and LIM domain containing 1; minus strand). Cytogenetic location: 6q21.
Variant type: Deletion.
Coding change: c.305_331del on transcript NM_022765.4 (MANE Select); coding-DNA positions 305 to 331, 27 bases deleted (AGCTGGCGCTGCTGGGGGCCCGAGTGG).
Protein change: p.Glu102_Val110del.
Molecular consequence: inframe deletion.
Genome position (GRCh38, 1-based): chr6:109,453,773-109,453,799, CCACTCGGGCCCCCAGCAGCGCCAGCT deleted on the plus strand (AGCTGGCGCTGCTGGGGGCCCGAGTGG on the coding strand, the reverse complement: MICAL1 is on the minus strand); deleting any 27 consecutive bases within chr6:109,453,773-109,453,803 gives the same sequence; the c. name uses the placement nearest the transcript's 3' end. VCF-style (leftmost placement, unchanged base first): chr6-109453772-ACCACTCGGGCCCCCAGCAGCGCCAGCT-A. GRCh37 (hg19) VCF-style: chr6-109774975-ACCACTCGGGCCCCCAGCAGCGCCAGCT-A.
Other names: c.305_331del, p.Glu102_Val110del (NM_001159291.2); c.362_388del, p.Glu121_Val129del (NM_001286613.2).
Identifiers: ClinVar variation 1944690 (VCV001944690.5), dbSNP rs748078311, ClinGen allele CA3953812.

ClinVar aggregate classification (germline): Uncertain significance (1 of 4 stars; one submission).

Submission:

Labcorp Genetics (formerly Invitae), Labcorp
Classification: Uncertain significance. Last evaluated: 2022-06-03. Review status: criteria provided, single submitter. Criteria: Invitae Variant Classification Sherloc (09022015). Collection method: clinical testing. Allele origin: germline.
Comment: In summary, the available evidence is currently insufficient to determine the role of this variant in disease. Therefore, it has been classified as a Variant of Uncertain Significance. Experimental studies and prediction algorithms are not available or were not evaluated, and the functional significance of this variant is currently unknown. This variant, c.362_388del, results in the deletion of 9 amino acid(s) of the MICAL1 protein (p.Glu121_Val129del), but otherwise preserves the integrity of the reading frame. This variant is present in population databases (rs748078311, gnomAD 0.01%). This variant has not been reported in the literature in individuals affected with MICAL1-related conditions.